The following is an entry in ClinVar:

ClinVar aggregate classification (germline): Pathogenic/Likely pathogenic. Review status: criteria provided, multiple submitters, no conflicts (2 of 4 stars). 5 submissions from 5 submitters: Pathogenic (4); Likely pathogenic (1). Last evaluated 2025-04-26.

Conditions:
Cardiovascular phenotype. Identifiers: MedGen CN230736.
Hypoalphalipoproteinemia, primary, 2. Also called: HYPOALPHALIPOPROTEINEMIA, PRIMARY, 2, AUTOSOMAL RECESSIVE; HIGH DENSITY LIPOPROTEIN DEFICIENCY. Identifiers: MedGen C5551172, MONDO:0032766, OMIM 618463.
Hypoalphalipoproteinemia, primary, 2, intermediate. Also called: HYPOALPHALIPOPROTEINEMIA, PRIMARY, 2, AUTOSOMAL DOMINANT. Identifiers: MedGen C5677030, MONDO:0859238, OMIM 619836.
Familial amyloid polyneuropathy, Iowa type (AMYLD3). Also called: Familial amyloid polyneuropathy type III; AMYLOIDOSIS, HEREDITARY SYSTEMIC 3; AMYLOIDOSIS, IOWA TYPE; AMYLOIDOSIS, VAN ALLEN TYPE; AMYLOIDOSIS, TYPE III; AMYLOIDOSIS, TYPE IV. Identifiers: MedGen C4551500, MONDO:0971008, OMIM 620657.

Allele frequency attached by ClinVar (database versions not stated): gnomAD exomes below 0.00001; ExAC 0.00001; gnomAD 0.00001; TOPMed 0.00001; ESP Exome Variant Server 0.00008.

Submissions (5):

Labcorp Genetics (formerly Invitae), Labcorp
Classification: Pathogenic. Last evaluated: 2025-04-26. Review status: criteria provided, single submitter. Criteria: Invitae Variant Classification Sherloc (09022015). Collection method: clinical testing. Allele origin: germline.
Comment: This sequence change replaces leucine, which is neutral and non-polar, with proline, which is neutral and non-polar, at codon 99 of the APOA1 protein (p.Leu99Pro). This variant is present in population databases (rs372520221, gnomAD 0.002%). This missense change has been observed in individual(s) with APOA1-related amyloidosis and/or autosomal dominant APOA1-related amyloidosis (PMID: 14986480, 15131802, 21458433, 24650283, 26193960). It has also been observed to segregate with disease in related individuals. This variant is also known as Leu75Pro. ClinVar contains an entry for this variant (Variation ID: 1163527). Invitae Evidence Modeling of protein sequence and biophysical properties (such as structural, functional, and spatial information, amino acid conservation, physicochemical variation, residue mobility, and thermodynamic stability) indicates that this missense variant is expected to disrupt APOA1 protein function with a positive predictive value of 95%. Experimental studies have shown that this missense change affects APOA1 function (PMID: 21296086, 24603325, 26515634). For these reasons, this variant has been classified as Pathogenic.

GeneDx
Classification: Pathogenic. Last evaluated: 2024-12-17. Review status: criteria provided, single submitter. Criteria: GeneDx Variant Classification Process June 2021. Collection method: clinical testing. Allele origin: germline. Affected: yes.
Comment: Identified in many unrelated individuals with APOA1-related amyloidosis in published literature (PMID: 14986480, 36988111, 26193960, 16221867, 21458433, 32841328); Identified in 13 patients from a cohort of individuals who underwent liver biopsy for chronic liver test abnormalities of unknown origin (PMID: 15131802); Published functional studies suggest a damaging effect via increased aggregation rate of protein compared to wildtype and affects cellular localization of ANG (PMID: 24603325, 26515634, 21296086); In silico analysis supports that this missense variant has a deleterious effect on protein structure/function; Also known as p.(L75P); This variant is associated with the following publications: (PMID: 21296086, 24603325, 26515634, 32841328, 26193960, 36988111, 21458433, 23806608, 14986480, 16221867, 15131802)

Mayo Clinic Laboratories, Mayo Clinic
Classification: Pathogenic. Last evaluated: 2024-11-21. Review status: criteria provided, single submitter. Criteria: ACMG Guidelines, 2015. Collection method: clinical testing. Allele origin: germline. Observed: 3 variant alleles.
Comment: PP1_strong, PP4, PM2_supporting, PS3, PS4_moderate

Fulgent Genetics
Classification: Pathogenic for Hypoalphalipoproteinemia, primary, 2; Hypoalphalipoproteinemia, primary, 2, intermediate; Familial amyloid polyneuropathy, Iowa type. Last evaluated: 2024-03-04. Review status: criteria provided, single submitter. Criteria: ACMG Guidelines, 2015. Collection method: clinical testing. Allele origin: germline.

Ambry Genetics
Classification: Likely pathogenic for Cardiovascular phenotype. Last evaluated: 2020-08-11. Review status: criteria provided, single submitter. Criteria: Ambry Variant Classification Scheme 2023. Collection method: clinical testing. Allele origin: germline.
Comment: The p.L99P variant (also known as c.296T>C), located in coding exon 3 of the APOA1 gene, results from a T to C substitution at nucleotide position 296. The leucine at codon 99 is replaced by proline, an amino acid with similar properties. This variant has been identified in several individuals with hepatic amyloidoses in multiple unrelated families (Coriu D et al. Amyloid, 2003 Dec;10:215-23; Obici L et al. Gastroenterology, 2004 May;126:1416-22; Eriksson M et al. J Mol Diagn, 2009 May;11:257-62). Individuals with this variant may have reduced levels of total cholesterol and high-density lipoprotein cholesterol (HDL-C) (Muiesan ML et al. Amyloid, 2015 Jul;22:187-93; Gomaraschi M et al. Clin. Chim. Acta, 2011 Jun;412:1262-5). In addition to the clinical data presented in the literature, protein aggregation and cell survival assays indicate that this alteration is functionally abnormal (Raimondi S et al. J. Mol. Biol., 2011 Apr;407:465-76; Del Giudice R et al. Cell Death Dis, 2014 Mar;5:e1097).This amino acid position is not well conserved in available vertebrate species. In addition, this alteration is predicted to be deleterious by in silico analysis. Based on the majority of available evidence to date, this variant is likely to be pathogenic.

Literature cited by the submitters: PubMed 14986480 (cited by 3 submitters); PubMed 15131802 (cited by 3 submitters); PubMed 21458433 (cited by 3 submitters); PubMed 24650283 (cited by Labcorp Genetics (formerly Invitae), Labcorp); PubMed 26193960 (cited by 3 submitters); PubMed 21296086 (cited by 3 submitters); PubMed 24603325 (cited by 3 submitters); PubMed 26515634 (cited by Labcorp Genetics (formerly Invitae), Labcorp and Mayo Clinic Laboratories, Mayo Clinic); PubMed 16221867 (cited by Mayo Clinic Laboratories, Mayo Clinic); PubMed 23806608 (cited by Mayo Clinic Laboratories, Mayo Clinic); PubMed 27540044 (cited by Mayo Clinic Laboratories, Mayo Clinic); PubMed 32841328 (cited by Mayo Clinic Laboratories, Mayo Clinic); PubMed 32861330 (cited by Mayo Clinic Laboratories, Mayo Clinic); PubMed 36988111 (cited by Mayo Clinic Laboratories, Mayo Clinic); PubMed 19324996 (cited by Ambry Genetics).

NM_000039.3(APOA1):c.296T>C (p.Leu99Pro)

Genes: APOA1-AS (APOA1 antisense RNA; plus strand), APOA1 (apolipoprotein A1; minus strand). Cytogenetic location: 11q23.3.
Variant type: single nucleotide variant.
Coding change: c.296T>C on transcript NM_000039.3 (MANE Select); coding-DNA position 296, T replaced by C.
Protein change: p.Leu99Pro; replaces leucine 99 with proline.
Molecular consequence: missense variant.
Genome position (GRCh38, 1-based): chr11:116,836,316, A>G on the plus strand (T>C on the coding strand, the complement: APOA1 is on the minus strand). VCF-style: chr11-116836316-A-G. GRCh37 (hg19) VCF-style: chr11-116707032-A-G.
Other names: c.296T>C, p.Leu99Pro (NM_001318017.2, NM_001318018.2); c.-32T>C (NM_001318021.2); short protein forms L99P.
Identifiers: ClinVar variation 1163527 (VCV001163527.16), dbSNP rs372520221, ClinGen allele CA6289830.